The following is an entry in ClinVar:

NM_014611.3(MDN1):c.2116C>A (p.Gln706Lys)

Gene: MDN1 (midasin AAA ATPase 1; minus strand). Cytogenetic location: 6q15.
Variant type: single nucleotide variant.
Coding change: c.2116C>A on transcript NM_014611.3 (MANE Select); coding-DNA position 2116, C replaced by A.
Protein change: p.Gln706Lys; replaces glutamine 706 with lysine.
Molecular consequence: missense variant.
Genome position (GRCh38, 1-based): chr6:89,771,589, G>T on the plus strand (C>A on the coding strand, the complement: MDN1 is on the minus strand). VCF-style: chr6-89771589-G-T. GRCh37 (hg19) VCF-style: chr6-90481308-G-T.
Other names: short protein forms Q706K.
Identifiers: ClinVar variation 3047987 (VCV003047987.2), dbSNP rs376724095, ClinGen allele CA3925753.

ClinVar aggregate classification (germline): Likely benign (0 of 4 stars; one submission).

Conditions:
MDN1-related disorder. Also called: MDN1-related condition.

Allele frequency attached by ClinVar (database versions not stated): TOPMed 0.00002; gnomAD 0.00014; gnomAD exomes 0.00018; ExAC 0.00046; 1000 Genomes Project 0.00140; 1000 Genomes Project 30x 0.00141.
gnomAD v4.1: 296 of 1,613,986 alleles (0.018%); highest among the groups gnomAD compares: South Asian, 0.3%; 2 homozygotes.

Submission:

PreventionGenetics, part of Exact Sciences
Classification: Likely benign for MDN1-related condition. Last evaluated: 2022-05-10. Review status: no assertion criteria provided. Collection method: clinical testing. Allele origin: germline.
Comment: This variant is classified as likely benign based on ACMG/AMP sequence variant interpretation guidelines (Richards et al. 2015 PMID: 25741868, with internal and published modifications).